The following is an entry in ClinVar:

NC_000007.13:g.(?_91603005)_(91646436_?)dup

Gene: AKAP9 (A-kinase anchoring protein 9; plus strand). Cytogenetic location: 7q21.2.
Variant type: Duplication.
Identifiers: ClinVar variation 3245705 (VCV003245705.1).

ClinVar aggregate classification (germline): Uncertain significance (1 of 4 stars; one submission).

Conditions:
Long QT syndrome (LQTS). Identifiers: MedGen C0023976, MeSH D008133, MONDO:0002442. Disease mechanism: loss of function. Inheritance: Various modes of inheritance.

Submission:

Labcorp Genetics (formerly Invitae), Labcorp
Classification: Uncertain significance for Long QT syndrome. Last evaluated: 2022-11-19. Review status: criteria provided, single submitter. Criteria: Invitae Variant Classification Sherloc (09022015). Collection method: clinical testing. Allele origin: unknown.
Comment: In summary, the available evidence is currently insufficient to determine the role of this variant in disease. Therefore, it has been classified as a Variant of Uncertain Significance. Experimental studies and prediction algorithms are not available or were not evaluated, and the functional significance of this variant is currently unknown. This variant has not been reported in the literature in individuals affected with AKAP9-related conditions. This variant results in a copy number gain of the genomic region encompassing exon(s) 2-12 of the AKAP9 gene. While the exact position of this variant cannot be determined from the data, sub-genic copy number gains are generally in tandem (PMID: 25640679). This variant is predicted to be in-frame, and likely preserves the integrity of the reading frame.

Literature cited by the submitters: PubMed 25640679.